The following is an entry in ClinVar:

ClinVar aggregate classification (germline): Pathogenic (1 of 4 stars; one submission).

Allele frequency attached by ClinVar (database versions not stated): TOPMed 0.00002.
gnomAD v4.1: 2 of 1,613,150 alleles (0.00012%); highest among the groups gnomAD compares: East Asian, 0.0022%; no homozygotes.

Submission:

Labcorp Genetics (formerly Invitae), Labcorp
Classification: Pathogenic. Last evaluated: 2017-09-15. Review status: criteria provided, single submitter. Criteria: Invitae Variant Classification Sherloc (09022015). Collection method: clinical testing. Allele origin: germline.
Comment: For these reasons, this variant has been classified as Pathogenic. Loss-of-function variants in AAGAB are known to be pathogenic (PMID: 24390136, 23064416, 23000146, 23633024, 23563198). This variant has been reported in an individual affected with type 1 punctate palmoplantar keratoderma (PMID: 23743648). This variant is not present in population databases (ExAC no frequency). This sequence change creates a premature translational stop signal (p.Trp130*) in the AAGAB gene. It is expected to result in an absent or disrupted protein product.

Literature cited by the submitters: PubMed 24390136; PubMed 23064416; PubMed 23000146; PubMed 23633024; PubMed 23563198; PubMed 23743648.

NM_024666.5(AAGAB):c.390G>A (p.Trp130Ter)

Gene: AAGAB (alpha and gamma adaptin binding protein; minus strand). Cytogenetic location: 15q23.
Variant type: single nucleotide variant.
Coding change: c.390G>A on transcript NM_024666.5 (MANE Select); coding-DNA position 390, G replaced by A.
Protein change: p.Trp130Ter; replaces tryptophan 130 with a stop codon.
Molecular consequence: nonsense.
Genome position (GRCh38, 1-based): chr15:67,236,040, C>T on the plus strand (G>A on the coding strand, the complement: AAGAB is on the minus strand). VCF-style: chr15-67236040-C-T. GRCh37 (hg19) VCF-style: chr15-67528378-C-T.
Other names: c.63G>A, p.Trp21Ter (NM_001271885.2, NM_001271886.2); short protein forms W130*, W21*.
Identifiers: ClinVar variation 1073196 (VCV001073196.10), dbSNP rs1303861168, ClinGen allele CA392951710.